The following is an entry in ClinVar:

ClinVar aggregate classification (germline): Uncertain significance. Review status: criteria provided, multiple submitters, no conflicts (2 of 4 stars). 2 submissions from 2 submitters: Uncertain significance (2). Last evaluated 2024-05-13.

Conditions:
Hereditary cancer-predisposing syndrome. Also called: Hereditary Cancer Syndrome; Tumor predisposition; Hereditary neoplastic syndrome; Neoplastic Syndromes, Hereditary. Identifiers: Orphanet 140162, MedGen C0027672, MeSH D009386, MONDO:0015356.
Familial adenomatous polyposis 1 (FAP1). Also called: FAMILIAL ADENOMATOUS POLYPOSIS 1, ATTENUATED; POLYPOSIS, ADENOMATOUS INTESTINAL. Identifiers: MedGen C2713442, MONDO:0021056, OMIM 175100. Disease mechanism: loss of function.

Submissions (2):

Labcorp Genetics (formerly Invitae), Labcorp
Classification: Uncertain significance for Familial adenomatous polyposis 1. Last evaluated: 2024-05-13. Review status: criteria provided, single submitter. Criteria: Invitae Variant Classification Sherloc (09022015). Collection method: clinical testing. Allele origin: germline.
Comment: This sequence change replaces proline, which is neutral and non-polar, with histidine, which is basic and polar, at codon 2009 of the APC protein (p.Pro2009His). This variant is not present in population databases (gnomAD no frequency). This variant has not been reported in the literature in individuals affected with APC-related conditions. ClinVar contains an entry for this variant (Variation ID: 1042236). Advanced modeling of protein sequence and biophysical properties (such as structural, functional, and spatial information, amino acid conservation, physicochemical variation, residue mobility, and thermodynamic stability) performed at Invitae indicates that this missense variant is not expected to disrupt APC protein function with a negative predictive value of 95%. In summary, the available evidence is currently insufficient to determine the role of this variant in disease. Therefore, it has been classified as a Variant of Uncertain Significance.

Ambry Genetics
Classification: Uncertain significance for Hereditary cancer-predisposing syndrome. Last evaluated: 2024-03-10. Review status: criteria provided, single submitter. Criteria: Ambry Variant Classification Scheme 2023. Collection method: clinical testing. Allele origin: germline.
Comment: The p.P2009H variant (also known as c.6026C>A), located in coding exon 15 of the APC gene, results from a C to A substitution at nucleotide position 6026. The proline at codon 2009 is replaced by histidine, an amino acid with similar properties. This amino acid position is conserved. In addition, in silico predictors for this gene do not accurately predict pathogenicity. Based on the available evidence, the clinical significance of this alteration remains unclear.

NM_000038.6(APC):c.6026C>A (p.Pro2009His)

Gene: APC (APC regulator of Wnt signaling pathway; plus strand). Cytogenetic location: 5q22.2.
Variant type: single nucleotide variant.
Coding change: c.6026C>A on transcript NM_000038.6 (MANE Select); coding-DNA position 6026, C replaced by A.
Protein change: p.Pro2009His; replaces proline 2009 with histidine.
Molecular consequence: missense variant.
Genome position (GRCh38, 1-based): chr5:112,841,620, C>A. VCF-style: chr5-112841620-C-A. GRCh37 (hg19) VCF-style: chr5-112177317-C-A.
Other names: c.6026C>A, p.Pro2009His (NM_001127510.3, NM_001354895.2); c.5972C>A, p.Pro1991His (NM_001127511.3); c.6080C>A, p.Pro2027His (NM_001354896.2); c.6056C>A, p.Pro2019His (NM_001354897.2); c.5951C>A, p.Pro1984His (NM_001354898.2); c.5942C>A, p.Pro1981His (NM_001354899.2); c.5903C>A, p.Pro1968His (NM_001354900.2); c.5849C>A, p.Pro1950His (NM_001354901.2); and 6 more; short protein forms P1726H, P1883H, P1968H, P1849H, P1984H, P2009H, P2027H, P1908H.
Identifiers: ClinVar variation 1042236 (VCV001042236.9), dbSNP rs758141039, ClinGen allele CA16034517.